The following is an entry in ClinVar:

ClinVar aggregate classification (germline): Uncertain significance (1 of 4 stars; one submission).

gnomAD v4.1: 11 of 1,613,870 alleles (0.00068%); highest among the groups gnomAD compares: Non-Finnish European, 0.00093%; no homozygotes.

Submission:

Labcorp Genetics (formerly Invitae), Labcorp
Classification: Uncertain significance. Last evaluated: 2025-03-16. Review status: criteria provided, single submitter. Criteria: Invitae Variant Classification Sherloc (09022015). Collection method: clinical testing. Allele origin: germline.
Comment: This sequence change replaces arginine, which is basic and polar, with glutamine, which is neutral and polar, at codon 1090 of the SON protein (p.Arg1090Gln). This variant is present in population databases (rs776995973, gnomAD 0.0009%). This variant has not been reported in the literature in individuals affected with SON-related conditions. An algorithm developed to predict the effect of missense changes on protein structure and function (PolyPhen-2) suggests that this variant is likely to be disruptive. In summary, the available evidence is currently insufficient to determine the role of this variant in disease. Therefore, it has been classified as a Variant of Uncertain Significance.

NM_138927.4(SON):c.3269G>A (p.Arg1090Gln)

Gene: SON (SON DNA and RNA binding protein; plus strand). Cytogenetic location: 21q22.11.
Variant type: single nucleotide variant.
Coding change: c.3269G>A on transcript NM_138927.4 (MANE Select); coding-DNA position 3269, G replaced by A.
Protein change: p.Arg1090Gln; replaces arginine 1090 with glutamine.
Molecular consequence: missense variant. On other transcripts: non-coding transcript variant (1), intron variant (1).
Genome position (GRCh38, 1-based): chr21:33,552,500, G>A. VCF-style: chr21-33552500-G-A. GRCh37 (hg19) VCF-style: chr21-34924806-G-A.
Other names: c.3269G>A, p.Arg1090Gln (NM_001291411.2, NM_032195.3); c.245-4656G>A (NM_001291412.3); short protein forms R1090Q.
Identifiers: ClinVar variation 4767737 (VCV004767737.1).
Genomic context (GRCh38, chr21:33,552,500, plus strand): 5'-ATGAACGCTCCATGATGTCCCCAATGGCTGATCGATCTATGATGTCCATGGGTGCTGACC[G>A]GTCTATGATGTCGTCATACTCTGCTGCTGACCGGTCTATGATGTCATCGTACTCTGCAGC-3'
Protein context (NP_620305.3, residues 1080-1100): DRSMMSMGAD[Arg1090Gln]SMMSSYSAAD